The following is an entry in ClinVar:

NM_016151.4(TAOK2):c.2435A>G (p.Lys812Arg)

Gene: TAOK2 (TAO kinase 2; plus strand). Cytogenetic location: 16p11.2.
Variant type: single nucleotide variant.
Coding change: c.2435A>G on transcript NM_016151.4 (MANE Select); coding-DNA position 2435, A replaced by G.
Protein change: p.Lys812Arg; replaces lysine 812 with arginine.
Molecular consequence: missense variant. On other transcripts: intron variant (2).
Genome position (GRCh38, 1-based): chr16:29,986,707, A>G. VCF-style: chr16-29986707-A-G. GRCh37 (hg19) VCF-style: chr16-29998028-A-G.
Other names: c.2232+203A>G (NM_004783.4); c.2233-137A>G (NM_001252043.2); short protein forms K812R.
Identifiers: ClinVar variation 2909584 (VCV002909584.3), dbSNP rs755195552, ClinGen allele CA7998390.

ClinVar aggregate classification (germline): Uncertain significance (1 of 4 stars; one submission).

Allele frequency attached by ClinVar (database versions not stated): ExAC 0.00001; TOPMed 0.00001; gnomAD exomes 0.00002.
gnomAD v4.1: 28 of 1,614,008 alleles (0.0017%); highest among the groups gnomAD compares: Non-Finnish European, 0.0023%; no homozygotes.

Submission:

Labcorp Genetics (formerly Invitae), Labcorp
Classification: Uncertain significance. Last evaluated: 2026-01-14. Review status: criteria provided, single submitter. Criteria: Invitae Variant Classification Sherloc (09022015). Collection method: clinical testing. Allele origin: germline.
Comment: This sequence change replaces lysine, which is basic and polar, with arginine, which is basic and polar, at codon 812 of the TAOK2 protein (p.Lys812Arg). This variant is present in population databases (rs755195552, gnomAD 0.0009%). This variant has not been reported in the literature in individuals affected with TAOK2-related conditions. ClinVar contains an entry for this variant (Variation ID: 2909584). An algorithm developed to predict the effect of missense changes on protein structure and function (PolyPhen-2) suggests that this variant is likely to be tolerated. In summary, the available evidence is currently insufficient to determine the role of this variant in disease. Therefore, it has been classified as a Variant of Uncertain Significance.